The following is an entry in ClinVar:

NM_001349253.2(SCN11A):c.1101+1G>A

Gene: SCN11A (sodium voltage-gated channel alpha subunit 11; minus strand). Cytogenetic location: 3p22.2.
Variant type: single nucleotide variant.
Coding change: c.1101+1G>A on transcript NM_001349253.2 (MANE Select); the canonical splice donor site of the intron after coding-DNA position 1101, G replaced by A.
Molecular consequence: splice donor variant.
Genome position (GRCh38, 1-based): chr3:38,910,065, C>T on the plus strand (G>A on the coding strand, the complement: SCN11A is on the minus strand). VCF-style: chr3-38910065-C-T. GRCh37 (hg19) VCF-style: chr3-38951556-C-T.
Other names: c.1101+1G>A (NM_014139.3).
Identifiers: ClinVar variation 2198006 (VCV002198006.4), dbSNP rs1046489828, ClinGen allele CA352168376.

ClinVar aggregate classification (germline): Uncertain significance (1 of 4 stars; one submission).

Conditions:
Hereditary sensory and autonomic neuropathy type 7. Also called: Neuropathy, hereditary sensory and autonomic, type VII; HSAN VII. Identifiers: Orphanet 391397, MedGen C3809882, MONDO:0014244, OMIM 615548.
Familial episodic pain syndrome with predominantly lower limb involvement. Also called: Episodic pain syndrome, familial, 3. Identifiers: Orphanet 391384, Orphanet 391392, MedGen C3809899, MONDO:0014247, OMIM 615552.

Allele frequency attached by ClinVar (database versions not stated): gnomAD exomes below 0.00001.
gnomAD v4.1: 7 of 1,613,442 alleles (0.00043%); highest among the groups gnomAD compares: Admixed American, 0.0017%; no homozygotes.

Submission:

Labcorp Genetics (formerly Invitae), Labcorp
Classification: Uncertain significance for Familial episodic pain syndrome with predominantly lower limb involvement; Hereditary sensory and autonomic neuropathy type 7. Last evaluated: 2022-02-08. Review status: criteria provided, single submitter. Criteria: Invitae Variant Classification Sherloc (09022015). Collection method: clinical testing. Allele origin: germline.
Comment: In summary, the available evidence is currently insufficient to determine the role of this variant in disease. Therefore, it has been classified as a Variant of Uncertain Significance. Algorithms developed to predict the effect of sequence changes on RNA splicing suggest that this variant may disrupt the consensus splice site. This variant has not been reported in the literature in individuals affected with SCN11A-related conditions. This variant is not present in population databases (gnomAD no frequency). This sequence change affects a donor splice site in intron 8 of the SCN11A gene. It is expected to disrupt RNA splicing. Variants that disrupt the donor or acceptor splice site typically lead to a loss of protein function (PMID: 16199547), however the current clinical and genetic evidence is not sufficient to establish whether loss-of-function variants in SCN11A cause disease.

Literature cited by the submitters: PubMed 16199547.